The following is an entry in ClinVar:

NM_001267550.2(TTN):c.48212C>T (p.Ser16071Leu)

Genes: TTN (titin; minus strand), TTN-AS1 (TTN antisense RNA 1; plus strand). Cytogenetic location: 2q31.2.
Variant type: single nucleotide variant.
Coding change: c.48212C>T on transcript NM_001267550.2 (MANE Select); coding-DNA position 48212, C replaced by T.
Protein change: p.Ser16071Leu; replaces serine 16071 with leucine.
Molecular consequence: missense variant.
Genome position (GRCh38, 1-based): chr2:178,616,579, G>A on the plus strand (C>T on the coding strand, the complement: TTN is on the minus strand). VCF-style: chr2-178616579-G-A. GRCh37 (hg19) VCF-style: chr2-179481306-G-A.
Other names: p.Ser14430Leu; c.43289C>T, p.Ser14430Leu (NM_001256850.1); c.21017C>T, p.Ser7006Leu (NM_003319.4); c.40508C>T, p.Ser13503Leu (NM_133378.4); c.21392C>T, p.Ser7131Leu (NM_133432.3); c.21593C>T, p.Ser7198Leu (NM_133437.4); short protein forms S16071L, S13503L, S7198L, S7006L, S14430L, S7131L.
Identifiers: ClinVar variation 195549 (VCV000195549.10), dbSNP rs794727332, ClinGen allele CA242006.

ClinVar aggregate classification (germline): Uncertain significance. Review status: criteria provided, multiple submitters, no conflicts (2 of 4 stars). 5 submissions from 5 submitters: Uncertain significance (5). Last evaluated 2025-12-18.

Conditions:
TTN-related disorder. Also called: TTN-related condition; TTN-related disease; TTN-related disorders.
Cardiovascular phenotype. Identifiers: MedGen CN230736.
Dilated cardiomyopathy 1G (CMD1G). Identifiers: Orphanet 154, MedGen C1858763, MONDO:0011400, OMIM 604145.

Allele frequency attached by ClinVar (database versions not stated): gnomAD exomes 0.00001 and 0.00002; TOPMed 0.00003.
gnomAD v4.1: 32 of 1,612,268 alleles (0.002%); highest among the groups gnomAD compares: Non-Finnish European, 0.0025%; no homozygotes.

Submissions (5):

PreventionGenetics, part of Exact Sciences
Classification: Uncertain significance for TTN-related condition. Last evaluated: 2025-12-18. Review status: criteria provided, single submitter. Criteria: ACMG Guidelines, 2015. Collection method: clinical testing. Allele origin: germline.
Comment: The TTN c.48212C>T variant is predicted to result in the amino acid substitution p.Ser16071Leu. To our knowledge, this variant has not been reported in the literature. This variant is reported in 0.0018% of alleles in individuals of European (Non-Finnish) descent in gnomAD. At this time, the clinical significance of this variant is uncertain due to the absence of conclusive functional and genetic evidence.

Clinical Genomics Laboratory, Washington University in St. Louis
Classification: Uncertain significance for Dilated cardiomyopathy 1G. Last evaluated: 2025-05-13. Review status: criteria provided, single submitter. Criteria: ACMG Guidelines, 2015. Collection method: clinical testing. Allele origin: germline.
Comment: The TTN c.48212C>T (p.Ser16071Leu) variant, to our knowledge, has not been reported in the medical literature. This variant has been been reported in the ClinVar database as a variant of uncertain significance in a germline state by three submitters (ClinVar Variation ID: 195549). This variant is observed in 2/247,850 alleles in the general population (gnomAD v.2.1.1), indicating it is not a common variant. Computational predictors are uncertain as to the impact of this variant on titin function. This variant is present in the N2BA/N2B cardiac long isoform. This is a missense variant located in the A-band that binds myosin and myosin-binding protein stabilizes the thick filament. This exon has a high percentage/proportion spliced-in (PSI > 0.9), meaning it is a highly expressed exon incorporated into either the N2B or N2BA isoforms (Vatta M et al., PMID: 39968638). Truncating variants in exons with high PSI, mainly in the A-band and distal I-band, have stronger evidence of pathogenicity and are associated with dilated cardiomyopathy (DCM) (Roberts AM et al., PMID: 25589632; Schafer et al., PMID: 27869827). Due to conflicting information, and based on ACMG/AMP guidelines for variant interpretation (Richards S et al., PMID: 25741868), the clinical significance of the TTN c.48212C>T (p.Ser16071Leu) variant is uncertain at this time.

Mayo Clinic Laboratories, Mayo Clinic
Classification: Uncertain significance. Last evaluated: 2024-05-17. Review status: criteria provided, single submitter. Criteria: ACMG Guidelines, 2015. Collection method: clinical testing. Allele origin: germline. Observed: 1 variant allele.
Comment: PM2

Ambry Genetics
Classification: Uncertain significance for Cardiovascular phenotype. Last evaluated: 2020-01-03. Review status: criteria provided, single submitter. Criteria: Ambry Variant Classification Scheme 2023. Collection method: clinical testing. Allele origin: germline.
Comment: The p.S7006L variant (also known as c.21017C>T), located in coding exon 84 of the TTN gene, results from a C to T substitution at nucleotide position 21017. The serine at codon 7006 is replaced by leucine, an amino acid with dissimilar properties. This amino acid position is not well conserved in available vertebrate species. In addition, this alteration is predicted to be tolerated by in silico analysis. Since supporting evidence is limited at this time, the clinical significance of this alteration remains unclear.

Eurofins Ntd Llc (ga)
Classification: Uncertain significance. Last evaluated: 2014-11-21. Review status: criteria provided, single submitter. Criteria: EGL Classification Definitions 2015. Collection method: clinical testing. Allele origin: germline. Observed: 1 variant allele, 1 heterozygote.